The following is an entry in ClinVar:

ClinVar aggregate classification (germline): Likely pathogenic (1 of 4 stars; one submission).

Conditions:
Mitochondrial disease. Also called: Mitochondrial disorders; Mitochondrial disorder. Identifiers: Orphanet 68380, MedGen C0751651, MeSH D028361, MONDO:0044970.

gnomAD v4.1: 3 of 1,614,168 alleles (0.00019%); highest among the groups gnomAD compares: East Asian, 0.0067%; no homozygotes.

Submission:

Genomenon, Inc
Classification: Likely pathogenic for Mitochondrial disease. Last evaluated: 2025-11-24. Review status: criteria provided, single submitter. Criteria: Genomenon Sequence Variant Interpretation Standards - Updated. Collection method: curation. Allele origin: germline. Affected: yes.
Comment: TK2 p.Arg192Gly (c.574A>G) is a missense variant that changes the amino acid at residue 192 from Arginine to Glycine. This variant has been observed in a proband affected with mitochondrial disease in the compound heterozygous state (27660820). The presence of pathogenic missense variant(s) at the same amino acid position indicates that this residue is likely important for protein function. This variant is not present at a significant frequency in gnomAD, and in silico models agree that this variant is possibly or probably damaging. In conclusion, we classify TK2 p.Arg192Gly (c.574A>G) as a likely pathogenic variant.

Literature cited by the submitters: PubMed 27660820.

NM_004614.5(TK2):c.574A>G (p.Arg192Gly)

Gene: TK2 (thymidine kinase 2; minus strand). Cytogenetic location: 16q21.
Variant type: single nucleotide variant.
Coding change: c.574A>G on transcript NM_004614.5 (MANE Select); coding-DNA position 574, A replaced by G.
Protein change: p.Arg192Gly; replaces arginine 192 with glycine.
Molecular consequence: missense variant. On other transcripts: non-coding transcript variant (1), intron variant (1).
Genome position (GRCh38, 1-based): chr16:66,517,180, T>C on the plus strand (A>G on the coding strand, the complement: TK2 is on the minus strand). VCF-style: chr16-66517180-T-C. GRCh37 (hg19) VCF-style: chr16-66551083-T-C.
Other names: c.481A>G, p.Arg161Gly (NM_001172643.1); c.499A>G, p.Arg167Gly (NM_001172644.2); c.520A>G, p.Arg174Gly (NM_001172645.2); c.427A>G, p.Arg143Gly (NM_001271934.2); c.283A>G, p.Arg95Gly (NM_001272050.2); c.357-3369A>G (NM_001271935.1); short protein forms R143G, R161G, R167G, R174G, R192G, R95G.
Identifiers: ClinVar variation 3778858 (VCV003778858.2).
Genomic context (GRCh38, chr16:66,517,180, plus strand): 5'-CAAAGAGGCCTCTTACCAGCGGAATGACCTTCTCCTCTTCCCTGCATCTCTTCTTTAACC[T>C]CTGGTAACAAGTCTCAGGATTGGTCCGAAGGTAAACTGAGGTTAAAAGAATACGTGGCTC-3'
Protein context (NP_004605.4, residues 182-202): LRTNPETCYQ[Arg192Gly]LKKRCREEEK